The following is an entry in ClinVar:

NM_001171.6(ABCC6):c.4258A>C (p.Thr1420Pro)

Gene: ABCC6 (ATP binding cassette subfamily C member 6; minus strand). Cytogenetic location: 16p13.11.
Variant type: single nucleotide variant.
Coding change: c.4258A>C on transcript NM_001171.6 (MANE Select); coding-DNA position 4258, A replaced by C.
Protein change: p.Thr1420Pro; replaces threonine 1420 with proline.
Molecular consequence: missense variant. On other transcripts: non-coding transcript variant (1).
Genome position (GRCh38, 1-based): chr16:16,150,723, T>G on the plus strand (A>C on the coding strand, the complement: ABCC6 is on the minus strand). VCF-style: chr16-16150723-T-G. GRCh37 (hg19) VCF-style: chr16-16244580-T-G.
Other names: c.3916A>C, p.Thr1306Pro (NM_001351800.1); short protein forms T1306P, T1420P.
Identifiers: ClinVar variation 2419725 (VCV002419725.5), dbSNP rs571678512, ClinGen allele CA7925238.

ClinVar aggregate classification (germline): Uncertain significance (1 of 4 stars; one submission).

Allele frequency attached by ClinVar (database versions not stated): gnomAD exomes below 0.00001; ExAC 0.00001; gnomAD 0.00002; TOPMed 0.00002; 1000 Genomes Project 0.00020; 1000 Genomes Project 30x 0.00031.
gnomAD v4.1: 6 of 1,613,948 alleles (0.00037%); highest among the groups gnomAD compares: African/African-American, 0.008%; no homozygotes.

Submission:

Labcorp Genetics (formerly Invitae), Labcorp
Classification: Uncertain significance. Last evaluated: 2025-03-31. Review status: criteria provided, single submitter. Criteria: Invitae Variant Classification Sherloc (09022015). Collection method: clinical testing. Allele origin: germline.
Comment: This sequence change replaces threonine, which is neutral and polar, with proline, which is neutral and non-polar, at codon 1420 of the ABCC6 protein (p.Thr1420Pro). This variant is present in population databases (rs571678512, gnomAD 0.01%). This variant has not been reported in the literature in individuals affected with ABCC6-related conditions. ClinVar contains an entry for this variant (Variation ID: 2419725). Invitae Evidence Modeling of protein sequence and biophysical properties (such as structural, functional, and spatial information, amino acid conservation, physicochemical variation, residue mobility, and thermodynamic stability) indicates that this missense variant is not expected to disrupt ABCC6 protein function with a negative predictive value of 80%. In summary, the available evidence is currently insufficient to determine the role of this variant in disease. Therefore, it has been classified as a Variant of Uncertain Significance.